The following is an entry in ClinVar:

NM_016341.4(PLCE1):c.6324C>G (p.Val2108=)

Genes: PLCE1 (phospholipase C epsilon 1; plus strand), NOC3L (NOC3 like DNA replication regulator; minus strand). Cytogenetic location: 10q23.33.
Variant type: single nucleotide variant.
Coding change: c.6324C>G on transcript NM_016341.4 (MANE Select); coding-DNA position 6324, C replaced by G.
Protein change: p.Val2108=; no amino-acid change (valine 2108 retained).
Molecular consequence: synonymous variant.
Genome position (GRCh38, 1-based): chr10:94,316,738, C>G. VCF-style: chr10-94316738-C-G. GRCh37 (hg19) VCF-style: chr10-96076495-C-G.
Other names: p.Val2108=; c.5400C>G, p.Val1800= (NM_001165979.2); c.6276C>G, p.Val2092= (NM_001288989.2).
Identifiers: ClinVar variation 260729 (VCV000260729.19), dbSNP rs942676, ClinGen allele CA5613544.

ClinVar aggregate classification (germline): Benign. Review status: criteria provided, multiple submitters, no conflicts (2 of 4 stars). 8 submissions from 8 submitters: Benign (8). Last evaluated 2026-02-01.

Conditions:
Nephrotic syndrome, type 3 (NPHS3). Also called: NEPHROTIC SYNDROME, EARLY-ONSET, TYPE 3. Identifiers: Orphanet 656, MedGen C1853124, MONDO:0012546, OMIM 610725.

Allele frequency attached by ClinVar (database versions not stated): 1000 Genomes Project 30x 0.08666; 1000 Genomes Project 0.08706; TOPMed 0.11113; ESP Exome Variant Server 0.11880; gnomAD 0.12366 and 0.12398; ExAC 0.14555; gnomAD exomes 0.14602 and 0.16099.
gnomAD v4.1: 252,766 of 1,612,102 alleles (16%); highest among the groups gnomAD compares: Non-Finnish European, 17%; 22,053 homozygotes.

Submissions (8):

Labcorp Genetics (formerly Invitae), Labcorp
Classification: Benign. Last evaluated: 2026-02-01. Review status: criteria provided, single submitter. Criteria: Invitae Variant Classification Sherloc (09022015). Collection method: clinical testing. Allele origin: germline.

Blueprint Genetics
Classification: Benign. Last evaluated: 2024-11-27. Review status: criteria provided, single submitter. Criteria: ACMG Guidelines, 2015. Collection method: clinical testing. Allele origin: germline.

Unidad de Genómica Garrahan, Hospital de Pediatría Garrahan
Classification: Benign. Last evaluated: 2024-07-15. Review status: criteria provided, single submitter. Criteria: ACMG Guidelines, 2015. Collection method: clinical testing. Allele origin: germline. Affected: no. Observed: 34 variant alleles.
Comment: This variant is classified as Benign based on local population frequency. This variant was detected in 37% of patients studied in a panel designed for Epileptic and Developmental Encephalopathy and Progressive Myoclonus Epilepsy. Number of patients: 34. Only high quality variants are reported.

Mayo Clinic Laboratories, Mayo Clinic
Classification: Benign. Last evaluated: 2022-03-09. Review status: criteria provided, single submitter. Criteria: ACMG Guidelines, 2015. Collection method: clinical testing. Allele origin: germline. Observed: 46 variant alleles.

GeneDx
Classification: Benign. Last evaluated: 2019-08-20. Review status: criteria provided, single submitter. Criteria: GeneDx Variant Classification Process June 2021. Collection method: clinical testing. Allele origin: germline. Affected: yes.

Illumina Laboratory Services, Illumina
Classification: Benign for Nephrotic syndrome, type 3. Last evaluated: 2018-01-13. Review status: criteria provided, single submitter. Criteria: ICSL Variant Classification Criteria 13 December 2019. Collection method: clinical testing. Allele origin: germline.
Comment: This variant was observed in the ICSL laboratory as part of a predisposition screen in an ostensibly healthy population. It had not been previously curated by ICSL or reported in the Human Gene Mutation Database (HGMD: prior to June 1st, 2018), and was therefore a candidate for classification through an automated scoring system. Utilizing variant allele frequency, disease prevalence and penetrance estimates, and inheritance mode, an automated score was calculated to assess if this variant is too frequent to cause the disease. Based on the score and internal cut-off values, a variant classified as benign is not then subjected to further curation. The score for this variant resulted in a classification of benign for this disease.

Breakthrough Genomics
Classification: Benign. Review status: criteria provided, single submitter. Criteria: ACMG Guidelines, 2015. Collection method: not provided. Allele origin: germline. Inheritance: Autosomal recessive inheritance. Affected: yes.

PreventionGenetics, part of Exact Sciences
Classification: Benign. Review status: criteria provided, single submitter. Criteria: ACMG Guidelines, 2015. Collection method: clinical testing. Allele origin: germline.